The following is an entry in ClinVar:

NM_001291415.2(KDM6A):c.876G>A (p.Arg292=)

Gene: KDM6A (lysine demethylase 6A; plus strand). Cytogenetic location: Xp11.3.
Variant type: single nucleotide variant.
Coding change: c.876G>A on transcript NM_001291415.2 (MANE Select); coding-DNA position 876, G replaced by A.
Protein change: p.Arg292=; no amino-acid change (arginine 292 retained).
Molecular consequence: synonymous variant. On other transcripts: non-coding transcript variant (1).
Genome position (GRCh38, 1-based): chrX:45,059,006, G>A. VCF-style: chrX-45059006-G-A. GRCh37 (hg19) VCF-style: chrX-44918251-G-A.
Other names: c.876G>A, p.Arg292= (NM_001291416.2, NM_001291417.2, NM_001291418.2 and 9 more transcripts); c.123G>A, p.Arg41= (NM_001291421.2).
Identifiers: ClinVar variation 2909656 (VCV002909656.3), dbSNP rs2522752194, ClinGen allele CA515975194.
Genomic context (GRCh38, chrX:45,059,006, plus strand): 5'-ATTTGTTTCAGTATTAATGGAATTCTCTTGATTTTTTTTTTTTTTCCCTTCCCTTCTCAG[G>A]TGCTATTCAAGTATTGGGAAAGTTCAGGATGCCTTTATATCTTACAGGCAGTCTATTGAT-3'
Protein context (NP_001278344.1, residues 282-302): NSGQSWYFLG[Arg292=]CYSSIGKVQD

ClinVar aggregate classification (germline): Uncertain significance (1 of 4 stars; one submission).

Conditions:
Kabuki syndrome 2 (KABUK2). Also called: KDM6A-Related Kabuki Syndrome. Identifiers: Orphanet 2322, MedGen C3275495, MONDO:0010465, OMIM 300867.

Submission:

Labcorp Genetics (formerly Invitae), Labcorp
Classification: Uncertain significance for Kabuki syndrome 2. Last evaluated: 2023-08-27. Review status: criteria provided, single submitter. Criteria: Invitae Variant Classification Sherloc (09022015). Collection method: clinical testing. Allele origin: germline.
Comment: Algorithms developed to predict the effect of sequence changes on RNA splicing suggest that this variant is not likely to affect RNA splicing. This variant has not been reported in the literature in individuals affected with KDM6A-related conditions. This variant is not present in population databases (gnomAD no frequency). This sequence change affects codon 292 of the KDM6A mRNA. It is a 'silent' change, meaning that it does not change the encoded amino acid sequence of the KDM6A protein. It affects a nucleotide within the consensus splice site. In summary, the available evidence is currently insufficient to determine the role of this variant in disease. Therefore, it has been classified as a Variant of Uncertain Significance.